The following is an entry in ClinVar:

ClinVar aggregate classification (germline): Uncertain significance. Review status: criteria provided, multiple submitters, no conflicts (2 of 4 stars). 3 submissions from 3 submitters: Uncertain significance (3). Last evaluated 2024-04-23.

Conditions:
Inborn genetic diseases. Identifiers: MedGen C0950123, MeSH D030342.

Allele frequency attached by ClinVar (database versions not stated): gnomAD exomes 0.00002; ExAC 0.00003; gnomAD 0.00003 and 0.00005; TOPMed 0.00008; 1000 Genomes Project 30x 0.00016; 1000 Genomes Project 0.00020.
gnomAD v4.1: 47 of 1,613,388 alleles (0.0029%); highest among the groups gnomAD compares: Middle Eastern, 0.017%; no homozygotes.

Submissions (3):

Ambry Genetics
Classification: Uncertain significance for Inborn genetic diseases. Last evaluated: 2024-04-23. Review status: criteria provided, single submitter. Criteria: Ambry Variant Classification Scheme 2023. Collection method: clinical testing. Allele origin: germline.

Blueprint Genetics
Classification: Uncertain significance. Last evaluated: 2023-09-13. Review status: criteria provided, single submitter. Criteria: ACMG Guidelines, 2015. Collection method: clinical testing. Allele origin: germline.

Labcorp Genetics (formerly Invitae), Labcorp
Classification: Uncertain significance. Last evaluated: 2022-07-20. Review status: criteria provided, single submitter. Criteria: Invitae Variant Classification Sherloc (09022015). Collection method: clinical testing. Allele origin: germline.
Comment: This sequence change replaces arginine, which is basic and polar, with tryptophan, which is neutral and slightly polar, at codon 1023 of the TTLL5 protein (p.Arg1023Trp). This variant is present in population databases (rs559290024, gnomAD 0.01%). This variant has not been reported in the literature in individuals affected with TTLL5-related conditions. ClinVar contains an entry for this variant (Variation ID: 840113). Algorithms developed to predict the effect of missense changes on protein structure and function output the following: SIFT: "Tolerated"; PolyPhen-2: "Benign"; Align-GVGD: "Class C0". The tryptophan amino acid residue is found in multiple mammalian species, which suggests that this missense change does not adversely affect protein function. In summary, the available evidence is currently insufficient to determine the role of this variant in disease. Therefore, it has been classified as a Variant of Uncertain Significance.

NM_015072.5(TTLL5):c.3067C>T (p.Arg1023Trp)

Gene: TTLL5 (tubulin tyrosine ligase like 5; plus strand). Cytogenetic location: 14q24.3.
Variant type: single nucleotide variant.
Coding change: c.3067C>T on transcript NM_015072.5 (MANE Select); coding-DNA position 3067, C replaced by T.
Protein change: p.Arg1023Trp; replaces arginine 1023 with tryptophan.
Molecular consequence: missense variant.
Genome position (GRCh38, 1-based): chr14:75,792,996, C>T. VCF-style: chr14-75792996-C-T. GRCh37 (hg19) VCF-style: chr14-76259339-C-T.
Other names: short protein forms R1023W.
Identifiers: ClinVar variation 840113 (VCV000840113.9), dbSNP rs559290024, ClinGen allele CA7279884.
Genomic context (GRCh38, chr14:75,792,996, plus strand): 5'-CATCATTCAGGAATAGCCAAAACACAAAAAGAGGGAGAAGATGCTTCTTTATATAGCAAA[C>T]GGTACAACCAAAGTATGGTTACAGCTGAACTTCAGCGGCTAGCTGAGAAGCAGGCAGCGA-3'
Protein context (NP_055887.3, residues 1013-1033): EGEDASLYSK[Arg1023Trp]YNQSMVTAEL